The following is an entry in ClinVar:

NM_000202.8(IDS):c.1019G>A (p.Gly340Asp)

Genes: IDS (iduronate 2-sulfatase; minus strand), LOC106050102 (IDS recombination region; plus strand). Cytogenetic location: Xq28.
Variant type: single nucleotide variant.
Coding change: c.1019G>A on transcript NM_000202.8 (MANE Select); coding-DNA position 1019, G replaced by A.
Protein change: p.Gly340Asp; replaces glycine 340 with aspartic acid.
Molecular consequence: missense variant.
Genome position (GRCh38, 1-based): chrX:149,487,086, C>T on the plus strand (G>A on the coding strand, the complement: IDS is on the minus strand). VCF-style: chrX-149487086-C-T. GRCh37 (hg19) VCF-style: chrX-148568617-C-T.
Other names: c.749G>A, p.Gly250Asp (NM_001166550.4); short protein forms G340D, G250D.
Identifiers: ClinVar variation 2737382 (VCV002737382.5), dbSNP rs2520785446, ClinGen allele CA414519019.

ClinVar aggregate classification (germline): Pathogenic. Review status: criteria provided, multiple submitters, no conflicts (2 of 4 stars). 2 submissions from 2 submitters: Pathogenic (2). Last evaluated 2024-06-07.

Conditions:
Mucopolysaccharidosis, MPS-II (MPS2). Also called: Mucopolysaccharidosis with skin involvement; Mucopolysaccharidosis type 2; Attenuated MPS (subtype; formerly known as mild MPS II); Severe MPS II; I2S deficiency; MPS 2. Identifiers: Orphanet 580, Orphanet 79388, MedGen C0026705, MONDO:0010674, OMIM 309900.

Submissions (2):

Laboratory of Diagnosis and Therapy of Lysosomal Disorders, University of Padova
Classification: Pathogenic for Mucopolysaccharidosis, MPS-II. Last evaluated: 2024-06-07. Review status: criteria provided, single submitter. Criteria: ACMG Guidelines, 2015. Collection method: literature only. Allele origin: germline. Affected: yes. Observed: 10 variant alleles.
Comment: Prevalence of the variant significantly increased in affected individuals compared with controls (PS4_Moderate), Absent from controls (or at low frequency) in gnomAD database (PM2_Moderate), Missense variant in a gene with a low rate of benign missense variation (PP2_Supporting), Multiple lines of computational evidence support a deleterious effect (PP3_Supporting), Patient’s phenotype or family history highly specific for the disease (PP4_Strong)

Classification method: ACMG Guidelines [PMID:25741868] with modifications

Labcorp Genetics (formerly Invitae), Labcorp
Classification: Pathogenic for Mucopolysaccharidosis, MPS-II. Last evaluated: 2023-08-04. Review status: criteria provided, single submitter. Criteria: Invitae Variant Classification Sherloc (09022015). Collection method: clinical testing. Allele origin: germline.
Comment: This sequence change replaces glycine, which is neutral and non-polar, with aspartic acid, which is acidic and polar, at codon 340 of the IDS protein (p.Gly340Asp). This variant is not present in population databases (gnomAD no frequency). This missense change has been observed in individual(s) with mucopolysaccharidosis type II (PMID: 33676511). Advanced modeling of protein sequence and biophysical properties (such as structural, functional, and spatial information, amino acid conservation, physicochemical variation, residue mobility, and thermodynamic stability) performed at Invitae indicates that this missense variant is expected to disrupt IDS protein function. For these reasons, this variant has been classified as Pathogenic.

Literature cited by the submitters: PubMed 24798265 (cited by Laboratory of Diagnosis and Therapy of Lysosomal Disorders, University of Padova); PubMed 9921913 (cited by Laboratory of Diagnosis and Therapy of Lysosomal Disorders, University of Padova); PubMed 26897145 (cited by Laboratory of Diagnosis and Therapy of Lysosomal Disorders, University of Padova); PubMed 35916809 (cited by Laboratory of Diagnosis and Therapy of Lysosomal Disorders, University of Padova); PubMed 33676511 (cited by Laboratory of Diagnosis and Therapy of Lysosomal Disorders, University of Padova and Labcorp Genetics (formerly Invitae), Labcorp); PubMed 36945845 (cited by Laboratory of Diagnosis and Therapy of Lysosomal Disorders, University of Padova).